The following is an entry in ClinVar:

NM_000092.5(COL4A4):c.2434G>A (p.Glu812Lys)

Gene: COL4A4 (collagen type IV alpha 4 chain; minus strand). Cytogenetic location: 2q36.3.
Variant type: single nucleotide variant.
Coding change: c.2434G>A on transcript NM_000092.5 (MANE Select); coding-DNA position 2434, G replaced by A.
Protein change: p.Glu812Lys; replaces glutamic acid 812 with lysine.
Molecular consequence: missense variant.
Genome position (GRCh38, 1-based): chr2:227,057,550, C>T on the plus strand (G>A on the coding strand, the complement: COL4A4 is on the minus strand). VCF-style: chr2-227057550-C-T. GRCh37 (hg19) VCF-style: chr2-227922266-C-T.
Other names: short protein forms E812K.
Identifiers: ClinVar variation 3358295 (VCV003358295.1).
Genomic context (GRCh38, chr2:227,057,550, plus strand): 5'-CACCTCTTTCACAGGAATGGCCAGGTGGACCTGGGACACCTGGAAACCCAGCATGTCCCT[C>T]TCTGCCTTTGGGACCTTTGAGACCTAGGAATCCAGGAATGCCAGCTGGCCCTGAAATGAT-3'
Protein context (NP_000083.3, residues 802-822): FLGLKGPKGR[Glu812Lys]GHAGFPGVPG

ClinVar aggregate classification (germline): Uncertain significance (0 of 4 stars; one submission).

Conditions:
COL4A4-related disorder.

Submission:

PreventionGenetics, part of Exact Sciences
Classification: Uncertain significance for COL4A4-related condition. Last evaluated: 2024-08-06. Review status: no assertion criteria provided. Collection method: clinical testing. Allele origin: germline.
Comment: The COL4A4 c.2434G>A variant is predicted to result in the amino acid substitution p.Glu812Lys. To our knowledge, this variant has not been reported in the literature or in a large population database, indicating this variant is rare. At this time, the clinical significance of this variant is uncertain due to the absence of conclusive functional and genetic evidence.